The following is an entry in ClinVar:

NM_001001671.4(MAP3K15):c.1369A>G (p.Met457Val)

Gene: MAP3K15 (mitogen-activated protein kinase kinase kinase 15; minus strand). Cytogenetic location: Xp22.12.
Variant type: single nucleotide variant.
Coding change: c.1369A>G on transcript NM_001001671.4 (MANE Select); coding-DNA position 1369, A replaced by G.
Protein change: p.Met457Val; replaces methionine 457 with valine.
Molecular consequence: missense variant.
Genome position (GRCh38, 1-based): chrX:19,425,601, T>C on the plus strand (A>G on the coding strand, the complement: MAP3K15 is on the minus strand). VCF-style: chrX-19425601-T-C. GRCh37 (hg19) VCF-style: chrX-19443719-T-C.
Other names: short protein forms M457V.
Identifiers: ClinVar variation 3051996 (VCV003051996.2), dbSNP rs140553102, ClinGen allele CA10364096.

ClinVar aggregate classification (germline): Likely benign (0 of 4 stars; one submission).

Conditions:
MAP3K15-related disorder. Also called: MAP3K15-related condition.

Allele frequency attached by ClinVar (database versions not stated): 1000 Genomes Project 30x 0.00042; ESP Exome Variant Server 0.00197.
gnomAD v4.1: 2,306 of 1,197,873 alleles (0.19%); highest among the groups gnomAD compares: Non-Finnish European, 0.25%; 3 homozygotes.

Submission:

PreventionGenetics, part of Exact Sciences
Classification: Likely benign for MAP3K15-related condition. Last evaluated: 2023-01-19. Review status: no assertion criteria provided. Collection method: clinical testing. Allele origin: germline.
Comment: This variant is classified as likely benign based on ACMG/AMP sequence variant interpretation guidelines (Richards et al. 2015 PMID: 25741868, with internal and published modifications).